The following is an entry in ClinVar:

NM_016553.5(NUP62):c.247T>C (p.Ser83Pro)

Genes: IL4I1 (interleukin 4 induced 1; minus strand), NUP62 (nucleoporin 62; minus strand). Cytogenetic location: 19q13.33.
Variant type: single nucleotide variant.
Coding change: c.247T>C on transcript NM_016553.5 (MANE Select); coding-DNA position 247, T replaced by C.
Protein change: p.Ser83Pro; replaces serine 83 with proline.
Molecular consequence: missense variant. On other transcripts: intron variant (3).
Genome position (GRCh38, 1-based): chr19:49,909,561, A>G on the plus strand (T>C on the coding strand, the complement: NUP62 is on the minus strand). VCF-style: chr19-49909561-A-G. GRCh37 (hg19) VCF-style: chr19-50412818-A-G.
Other names: c.247T>C, p.Ser83Pro (NM_001193357.2, NM_012346.5, NM_153718.4 and 1 more transcripts); c.-227-5240T>C (NM_001258017.2, NM_172374.3); c.-285-5240T>C (NM_001258018.2); short protein forms S83P.
Identifiers: ClinVar variation 1925580 (VCV001925580.5), dbSNP rs1323597062, ClinGen allele CA406928289.

ClinVar aggregate classification (germline): Uncertain significance. Review status: criteria provided, multiple submitters, no conflicts (2 of 4 stars). 2 submissions from 2 submitters: Uncertain significance (2). Last evaluated 2025-04-07.

Allele frequency attached by ClinVar (database versions not stated): gnomAD exomes below 0.00001; TOPMed 0.00003.
gnomAD v4.1: 7 of 1,614,082 alleles (0.00043%); highest among the groups gnomAD compares: Admixed American, 0.0017%; no homozygotes.

Submissions (2):

Ambry Genetics
Classification: Uncertain significance. Last evaluated: 2025-04-07. Review status: criteria provided, single submitter. Criteria: Ambry Variant Classification Scheme 2023. Collection method: clinical testing. Allele origin: germline.

Labcorp Genetics (formerly Invitae), Labcorp
Classification: Uncertain significance. Last evaluated: 2022-09-27. Review status: criteria provided, single submitter. Criteria: Invitae Variant Classification Sherloc (09022015). Collection method: clinical testing. Allele origin: germline.
Comment: This sequence change replaces serine, which is neutral and polar, with proline, which is neutral and non-polar, at codon 83 of the NUP62 protein (p.Ser83Pro). This variant is present in population databases (no rsID available, gnomAD 0.003%). This variant has not been reported in the literature in individuals affected with NUP62-related conditions. Algorithms developed to predict the effect of missense changes on protein structure and function output the following: SIFT: "Tolerated"; PolyPhen-2: "Benign"; Align-GVGD: "Class C0". The proline amino acid residue is found in multiple mammalian species, which suggests that this missense change does not adversely affect protein function. In summary, the available evidence is currently insufficient to determine the role of this variant in disease. Therefore, it has been classified as a Variant of Uncertain Significance.